The following is an entry in ClinVar:

NM_001367624.2(ZNF469):c.4636G>A (p.Gly1546Arg)

Gene: ZNF469 (zinc finger protein 469; plus strand). Cytogenetic location: 16q24.2.
Variant type: single nucleotide variant.
Coding change: c.4636G>A on transcript NM_001367624.2 (MANE Select); coding-DNA position 4636, G replaced by A.
Protein change: p.Gly1546Arg; replaces glycine 1546 with arginine.
Molecular consequence: missense variant.
Genome position (GRCh38, 1-based): chr16:88,432,106, G>A. VCF-style: chr16-88432106-G-A. GRCh37 (hg19) VCF-style: chr16-88498514-G-A.
Other names: NM_001127464.1:c.4552G>A; short protein forms G1546R.
Identifiers: ClinVar variation 1349843 (VCV001349843.7), dbSNP rs947954409, ClinGen allele CA286376373.

ClinVar aggregate classification (germline): Uncertain significance. Review status: criteria provided, multiple submitters, no conflicts (2 of 4 stars). 3 submissions from 3 submitters: Uncertain significance (3). Last evaluated 2026-04-13.

Conditions:
Cardiovascular phenotype. Identifiers: MedGen CN230736.

Allele frequency attached by ClinVar (database versions not stated): gnomAD exomes 0.00003.
gnomAD v4.1: 42 of 1,550,390 alleles (0.0027%); highest among the groups gnomAD compares: Admixed American, 0.0039%; no homozygotes.

Submissions (3):

Women's Health and Genetics/Laboratory Corporation of America, LabCorp
Classification: Uncertain significance. Last evaluated: 2026-04-13. Review status: criteria provided, single submitter. Criteria: LabCorp Variant Classification Summary - May 2015. Collection method: clinical testing. Allele origin: germline.
Comment: Variant summary: ZNF469 c.4636G>A (p.Gly1546Arg) results in a non-conservative amino acid change in the encoded protein sequence. Algorithms developed to predict the effect of missense changes on protein structure and function are either unavailable or do not agree on the potential impact of this missense change. The variant allele was found at a frequency of 2.6e-05 in 153932 control chromosomes. The available data on variant occurrences in the general population are insufficient to allow any conclusion about variant significance. To our knowledge, no occurrence of c.4636G>A in individuals affected with ZNF469-related conditions and no experimental evidence demonstrating its impact on protein function have been reported. ClinVar contains an entry for this variant (Variation ID: 1349843). Based on the evidence outlined above, the variant was classified as uncertain significance.

Ambry Genetics
Classification: Uncertain significance for Cardiovascular phenotype. Last evaluated: 2024-09-30. Review status: criteria provided, single submitter. Criteria: Ambry Variant Classification Scheme 2023. Collection method: clinical testing. Allele origin: germline.
Comment: The p.G1518R variant (also known as c.4552G>A), located in coding exon 2 of the ZNF469 gene, results from a G to A substitution at nucleotide position 4552. The glycine at codon 1518 is replaced by arginine, an amino acid with dissimilar properties. This amino acid position is conserved. In addition, this alteration is predicted to be tolerated by in silico analysis. Since supporting evidence is limited at this time, the clinical significance of this alteration remains unclear.

Labcorp Genetics (formerly Invitae), Labcorp
Classification: Uncertain significance. Last evaluated: 2022-08-22. Review status: criteria provided, single submitter. Criteria: Invitae Variant Classification Sherloc (09022015). Collection method: clinical testing. Allele origin: germline.
Comment: This sequence change replaces glycine, which is neutral and non-polar, with arginine, which is basic and polar, at codon 1518 of the ZNF469 protein (p.Gly1518Arg). This variant is present in population databases (no rsID available, gnomAD 0.008%). This variant has not been reported in the literature in individuals affected with ZNF469-related conditions. ClinVar contains an entry for this variant (Variation ID: 1349843). Algorithms developed to predict the effect of missense changes on protein structure and function output the following: SIFT: "Tolerated"; PolyPhen-2: "Benign"; Align-GVGD: "Class C0". The arginine amino acid residue is found in multiple mammalian species, which suggests that this missense change does not adversely affect protein function. In summary, the available evidence is currently insufficient to determine the role of this variant in disease. Therefore, it has been classified as a Variant of Uncertain Significance.